The following is an entry in ClinVar:

ClinVar aggregate classification (germline): Uncertain significance. Review status: criteria provided, multiple submitters, no conflicts (2 of 4 stars). 2 submissions from 2 submitters: Uncertain significance (2). Last evaluated 2026-08-29.

Conditions:
Cardiovascular phenotype. Identifiers: MedGen CN230736.
Dilated cardiomyopathy 1W (CMD1W). Identifiers: Orphanet 154, MedGen C1969639, MONDO:0012667, OMIM 611407.

Allele frequency attached by ClinVar (database versions not stated): gnomAD exomes below 0.00001; ExAC 0.00001.
gnomAD v4.1: 2 of 1,614,204 alleles (0.00012%); highest among the groups gnomAD compares: East Asian, 0.0022%; no homozygotes.

Submissions (2):

Ambry Genetics
Classification: Uncertain significance for Cardiovascular phenotype. Last evaluated: 2026-08-29. Review status: criteria provided, single submitter. Criteria: Ambry Variant Classification Scheme 2023. Collection method: clinical testing. Allele origin: germline.
Comment: The p.L445S variant (also known as c.1334T>C), located in coding exon 10 of the VCL gene, results from a T to C substitution at nucleotide position 1334. The leucine at codon 445 is replaced by serine, an amino acid with dissimilar properties. This amino acid position is conserved. In addition, this alteration is predicted to be deleterious by in silico analysis. Based on the available evidence, the clinical significance of this variant remains unclear.

Labcorp Genetics (formerly Invitae), Labcorp
Classification: Uncertain significance for Dilated cardiomyopathy 1W. Last evaluated: 2021-08-02. Review status: criteria provided, single submitter. Criteria: Invitae Variant Classification Sherloc (09022015). Collection method: clinical testing. Allele origin: germline.
Comment: This variant is present in population databases (rs747568915, ExAC 0.01%). This sequence change replaces leucine with serine at codon 445 of the VCL protein (p.Leu445Ser). The leucine residue is highly conserved and there is a large physicochemical difference between leucine and serine. This variant has not been reported in the literature in individuals affected with VCL-related conditions. In summary, the available evidence is currently insufficient to determine the role of this variant in disease. Therefore, it has been classified as a Variant of Uncertain Significance. Algorithms developed to predict the effect of missense changes on protein structure and function are either unavailable or do not agree on the potential impact of this missense change (SIFT: "Not Available"; PolyPhen-2: "Probably Damaging"; Align-GVGD: "Not Available").

NM_014000.3(VCL):c.1334T>C (p.Leu445Ser)

Gene: VCL (vinculin; plus strand). Cytogenetic location: 10q22.2.
Variant type: single nucleotide variant.
Coding change: c.1334T>C on transcript NM_014000.3 (MANE Select); coding-DNA position 1334, T replaced by C.
Protein change: p.Leu445Ser; replaces leucine 445 with serine.
Molecular consequence: missense variant.
Genome position (GRCh38, 1-based): chr10:74,090,180, T>C. VCF-style: chr10-74090180-T-C. GRCh37 (hg19) VCF-style: chr10-75849938-T-C.
Other names: c.1334T>C (NM_014000.2); c.1334T>C, p.Leu445Ser (NM_003373.4); short protein forms L445S.
Identifiers: ClinVar variation 1411768 (VCV001411768.8), dbSNP rs747568915, ClinGen allele CA5562973.